The following is an entry in ClinVar:

ClinVar aggregate classification (germline): Uncertain significance (1 of 4 stars; one submission).

Conditions:
Familial focal epilepsy with variable foci (FPEVF). Identifiers: Orphanet 98820, MedGen C1858477, MONDO:0020310.

Submission:

Labcorp Genetics (formerly Invitae), Labcorp
Classification: Uncertain significance for Familial focal epilepsy with variable foci. Last evaluated: 2025-01-29. Review status: criteria provided, single submitter. Criteria: Invitae Variant Classification Sherloc (09022015). Collection method: clinical testing. Allele origin: germline.
Comment: This sequence change replaces leucine, which is neutral and non-polar, with phenylalanine, which is neutral and non-polar, at codon 610 of the DEPDC5 protein (p.Leu610Phe). This variant is not present in population databases (gnomAD no frequency). This variant has not been reported in the literature in individuals affected with DEPDC5-related conditions. Experimental studies and prediction algorithms are not available or were not evaluated, and the functional significance of this variant is currently unknown. In summary, the available evidence is currently insufficient to determine the role of this variant in disease. Therefore, it has been classified as a Variant of Uncertain Significance.

NM_001242896.3(DEPDC5):c.1828C>T (p.Leu610Phe)

Gene: DEPDC5 (DEP domain containing 5, GATOR1 subcomplex subunit; plus strand). Cytogenetic location: 22q12.3.
Variant type: single nucleotide variant.
Coding change: c.1828C>T on transcript NM_001242896.3 (MANE Select); coding-DNA position 1828, C replaced by T.
Protein change: p.Leu610Phe; replaces leucine 610 with phenylalanine.
Molecular consequence: missense variant. On other transcripts: non-coding transcript variant (5).
Genome position (GRCh38, 1-based): chr22:31,819,183, C>T. VCF-style: chr22-31819183-C-T. GRCh37 (hg19) VCF-style: chr22-32215169-C-T.
Other names: c.1828C>T, p.Leu610Phe (NM_001136029.4, NM_001242897.2, NM_001363852.2 and 6 more transcripts); c.1744C>T, p.Leu582Phe (NM_001369901.1, NM_001369902.1); short protein forms L582F, L610F.
Identifiers: ClinVar variation 3726546 (VCV003726546.2).